The following is an entry in ClinVar:

ClinVar aggregate classification (germline): Uncertain significance (1 of 4 stars; one submission).

Conditions:
Inborn genetic diseases. Identifiers: MedGen C0950123, MeSH D030342.

Allele frequency attached by ClinVar (database versions not stated): gnomAD exomes below 0.00001.
gnomAD v4.1: 1 of 1,612,908 alleles (0.000062%); highest among the groups gnomAD compares: Non-Finnish European, 0.000085%; no homozygotes.

Submission:

Ambry Genetics
Classification: Uncertain significance for Inborn genetic diseases. Last evaluated: 2021-08-21. Review status: criteria provided, single submitter. Criteria: Ambry Variant Classification Scheme 2023. Collection method: clinical testing. Allele origin: germline.
Comment: The p.H613R variant (also known as c.1838A>G), located in coding exon 20 of the ERCC2 gene, results from an A to G substitution at nucleotide position 1838. The histidine at codon 613 is replaced by arginine, an amino acid with highly similar properties. This amino acid position is conserved. In addition, this alteration is predicted to be deleterious by in silico analysis. Since supporting evidence is limited at this time, the clinical significance of this alteration remains unclear.

NM_000400.4(ERCC2):c.1838A>G (p.His613Arg)

Gene: ERCC2 (ERCC excision repair 2, TFIIH core complex helicase subunit; minus strand). Cytogenetic location: 19q13.32.
Variant type: single nucleotide variant.
Coding change: c.1838A>G on transcript NM_000400.4 (MANE Select); coding-DNA position 1838, A replaced by G.
Protein change: p.His613Arg; replaces histidine 613 with arginine.
Molecular consequence: missense variant.
Genome position (GRCh38, 1-based): chr19:45,352,810, T>C on the plus strand (A>G on the coding strand, the complement: ERCC2 is on the minus strand). VCF-style: chr19-45352810-T-C. GRCh37 (hg19) VCF-style: chr19-45856068-T-C.
Other names: short protein forms H613R.
Identifiers: ClinVar variation 1781075 (VCV001781075.2), dbSNP rs2514000324, ClinGen allele CA406363941.